The following is an entry in ClinVar:

NM_000492.4(CFTR):c.-2C>T

Genes: CFTR (CF transmembrane conductance regulator; plus strand), LOC111674463 (CFTR promoter region; plus strand). Cytogenetic location: 7q31.2.
Variant type: single nucleotide variant.
Coding change: c.-2C>T on transcript NM_000492.4 (MANE Select); 2 bases upstream of the start codon, C replaced by T.
Molecular consequence: 5 prime UTR variant.
Genome position (GRCh38, 1-based): chr7:117,480,093, C>T. VCF-style: chr7-117480093-C-T. GRCh37 (hg19) VCF-style: chr7-117120147-C-T.
Identifiers: ClinVar variation 1350266 (VCV001350266.3), dbSNP rs770363945, ClinGen allele CA4450593.

ClinVar aggregate classification (germline): Uncertain significance (1 of 4 stars; one submission).

Conditions:
Cystic fibrosis (CF). Also called: MUCOVISCIDOSIS. Identifiers: Orphanet 586, MedGen C0010674, MONDO:0009061, OMIM 219700. Disease mechanism: loss of function.

gnomAD v4.1: 3 of 1,613,802 alleles (0.00019%); highest among the groups gnomAD compares: African/African-American, 0.0013%; no homozygotes.

Submission:

Labcorp Genetics (formerly Invitae), Labcorp
Classification: Uncertain significance for Cystic fibrosis. Last evaluated: 2021-10-07. Review status: criteria provided, single submitter. Criteria: Invitae Variant Classification Sherloc (09022015). Collection method: clinical testing. Allele origin: germline.
Comment: This variant occurs in a non-coding region of the CFTR gene. It does not change the encoded amino acid sequence of the CFTR protein. This variant is present in population databases (rs770363945, ExAC 0.002%). This variant has not been reported in the literature in individuals affected with CFTR-related conditions. Experimental studies and prediction algorithms are not available or were not evaluated, and the functional significance of this variant is currently unknown. In summary, the available evidence is currently insufficient to determine the role of this variant in disease. Therefore, it has been classified as a Variant of Uncertain Significance.